The following is an entry in ClinVar:

NM_022437.3(ABCG8):c.1868C>T (p.Ala623Val)

Gene: ABCG8 (ATP binding cassette subfamily G member 8; plus strand). Cytogenetic location: 2p21.
Variant type: single nucleotide variant.
Coding change: c.1868C>T on transcript NM_022437.3 (MANE Select); coding-DNA position 1868, C replaced by T.
Protein change: p.Ala623Val; replaces alanine 623 with valine.
Molecular consequence: missense variant.
Genome position (GRCh38, 1-based): chr2:43,877,672, C>T. VCF-style: chr2-43877672-C-T. GRCh37 (hg19) VCF-style: chr2-44104811-C-T.
Other names: c.1865C>T, p.Ala622Val (NM_001357321.2); short protein forms A622V, A623V.
Identifiers: ClinVar variation 2565410 (VCV002565410.3), dbSNP rs769972832, ClinGen allele CA1637687.

ClinVar aggregate classification (germline): Uncertain significance (1 of 4 stars; one submission).

Conditions:
Cardiovascular phenotype. Identifiers: MedGen CN230736.

Allele frequency attached by ClinVar (database versions not stated): TOPMed below 0.00001; ExAC 0.00001.
gnomAD v4.1: 5 of 1,614,102 alleles (0.00031%); highest among the groups gnomAD compares: African/African-American, 0.0053%; no homozygotes.

Submission:

Ambry Genetics
Classification: Uncertain significance for Cardiovascular phenotype. Last evaluated: 2025-08-24. Review status: criteria provided, single submitter. Criteria: Ambry Variant Classification Scheme 2023. Collection method: clinical testing. Allele origin: germline.
Comment: The p.A623V variant (also known as c.1868C>T), located in coding exon 12 of the ABCG8 gene, results from a C to T substitution at nucleotide position 1868. The alanine at codon 623 is replaced by valine, an amino acid with similar properties. This amino acid position is conserved. In addition, this alteration is predicted to be tolerated by in silico analysis. Since supporting evidence is limited at this time, the clinical significance of this alteration remains unclear.